The following is an entry in ClinVar:

NM_000271.5(NPC1):c.2670C>A (p.Tyr890Ter)

Gene: NPC1 (NPC intracellular cholesterol transporter 1; minus strand). Cytogenetic location: 18q11.2.
Variant type: single nucleotide variant.
Coding change: c.2670C>A on transcript NM_000271.5 (MANE Select); coding-DNA position 2670, C replaced by A.
Protein change: p.Tyr890Ter; replaces tyrosine 890 with a stop codon.
Molecular consequence: nonsense.
Genome position (GRCh38, 1-based): chr18:23,539,936, G>T on the plus strand (C>A on the coding strand, the complement: NPC1 is on the minus strand). VCF-style: chr18-23539936-G-T. GRCh37 (hg19) VCF-style: chr18-21119900-G-T.
Other names: c.2670C>A (NM_000271.4); short protein forms Y890*.
Identifiers: ClinVar variation 984321 (VCV000984321.4), dbSNP rs780592540, ClinGen allele CA401792905.

ClinVar aggregate classification (germline): Pathogenic/Likely pathogenic. Review status: criteria provided, multiple submitters, no conflicts (2 of 4 stars). 2 submissions from 2 submitters: Pathogenic (1); Likely pathogenic (1). Last evaluated 2025-09-29.

Conditions:
Niemann-Pick disease, type C1. Also called: NIEMANN-PICK DISEASE, VARIANT TYPE C1; NIEMANN-PICK DISEASE WITHOUT SPHINGOMYELINASE DEFICIENCY; NIEMANN-PICK DISEASE, CHRONIC NEURONOPATHIC FORM; NEUROVISCERAL STORAGE DISEASE WITH VERTICAL SUPRANUCLEAR OPHTHALMOPLEGIA; NIEMANN-PICK DISEASE WITH CHOLESTEROL ESTERIFICATION BLOCK. Identifiers: Orphanet 646, MedGen C3179455, MONDO:0009757, OMIM 257220.

Submissions (2):

Natera, Inc.
Classification: Pathogenic for Niemann-Pick disease type C1. Last evaluated: 2025-09-29. Review status: criteria provided, single submitter. Criteria: Natera Variant Classification Schema (03/2026). Collection method: clinical testing. Allele origin: germline.
Comment: The c.2670C>A variant in NPC1 is a nonsense variant predicted to introduce a stop codon at amino acid 890. This variant is expected to result in nonsense mediated decay, truncation, or a dysfunctional protein product. This variant is rare in the general population with a frequency below the threshold expected for the associated phenotype(s). This variant has been observed in one or more individuals affected with the associated recessive disease, as either homozygous or compound heterozygous with a second variant (PMID: 11349231). Additionally, this variant has been observed to segregate in affected family members (PMID: 11349231). Given the available evidence, this variant is classified as Pathogenic.

Myriad Genetics, Inc.
Classification: Likely pathogenic for Niemann-Pick disease, type C1. Last evaluated: 2020-01-30. Review status: criteria provided, single submitter. Criteria: Myriad Women's Health Autosomal Recessive and X-Linked Classification Criteria (2019). Collection method: clinical testing. Allele origin: unknown.
Comment: NM_000271.4(NPC1):c.2670C>A(Y890*) is expected to be pathogenic in the context of Niemann-Pick disease type C1. This variant is predicted to lead to an abnormal or absent protein product due to the creation of a premature termination codon in NPC1, a gene where loss-of-function variants are known to be pathogenic. Please note: this variant was assessed in the context of healthy population screening.

Literature cited by the submitters: PubMed 11349231 (cited by Natera, Inc.).